The following is an entry in ClinVar:

NM_000051.4(ATM):c.2394T>C (p.Ile798=)

Gene: ATM (ATM serine/threonine kinase; plus strand). Cytogenetic location: 11q22.3.
Variant type: single nucleotide variant.
Coding change: c.2394T>C on transcript NM_000051.4 (MANE Select); coding-DNA position 2394, T replaced by C.
Protein change: p.Ile798=; no amino-acid change (isoleucine 798 retained).
Molecular consequence: synonymous variant.
Genome position (GRCh38, 1-based): chr11:108,259,003, T>C. VCF-style: chr11-108259003-T-C. GRCh37 (hg19) VCF-style: chr11-108129730-T-C.
Other names: c.2394T>C, p.Ile798= (NM_001351834.2).
Identifiers: ClinVar variation 232623 (VCV000232623.21), dbSNP rs876659882, ClinGen allele CA10579053.

ClinVar aggregate classification (germline): Benign/Likely benign. Review status: criteria provided, multiple submitters, no conflicts (2 of 4 stars). 7 submissions from 7 submitters: Benign (1); Likely benign (6). Last evaluated 2025-11-01.

Conditions:
Familial cancer of breast. Also called: hereditary breast carcinoma; Hereditary breast cancer; BREAST CANCER, FAMILIAL. Identifiers: Orphanet 227535, MedGen C0346153, MONDO:0016419, OMIM 114480. Disease mechanism: loss of function.
Ataxia-telangiectasia syndrome (AT). Also called: LOUIS-BAR SYNDROME; Ataxia-telangiectasia, complementation group D; AT, COMPLEMENTATION GROUP C; Ataxia-telangiectasia, complementation group E; Ataxia telangiectasia (A-T); Cerebello-oculocutaneous telangiectasia. Identifiers: Orphanet 100, MedGen C0004135, MONDO:0008840, OMIM 208900.
Hereditary cancer-predisposing syndrome. Also called: Neoplastic Syndromes, Hereditary; Hereditary Cancer Syndrome; Tumor predisposition; Hereditary neoplastic syndrome. Identifiers: Orphanet 140162, MedGen C0027672, MeSH D009386, MONDO:0015356.

Allele frequency attached by ClinVar (database versions not stated): gnomAD exomes below 0.00001 and 0.00001; gnomAD 0.00001; TOPMed 0.00001.
gnomAD v4.1: 22 of 1,613,698 alleles (0.0014%); highest among the groups gnomAD compares: Non-Finnish European, 0.0016%; no homozygotes.

Submissions (7):

Labcorp Genetics (formerly Invitae), Labcorp
Classification: Likely benign for Ataxia-telangiectasia syndrome. Last evaluated: 2025-11-01. Review status: criteria provided, single submitter. Criteria: Invitae Variant Classification Sherloc (09022015). Collection method: clinical testing. Allele origin: germline.

Myriad Genetics, Inc.
Classification: Benign for Familial cancer of breast. Last evaluated: 2024-05-08. Review status: criteria provided, single submitter. Criteria: Myriad Autosomal Dominant, Autosomal Recessive and X-Linked Classification Criteria (2023). Collection method: clinical testing. Allele origin: unknown.
Comment: This variant is considered benign. This variant is a silent/synonymous amino acid change and it is not expected to impact splicing.

Blueprint Genetics
Classification: Likely benign. Last evaluated: 2024-01-16. Review status: criteria provided, single submitter. Criteria: ACMG Guidelines, 2015. Collection method: clinical testing. Allele origin: germline.

Sema4
Classification: Likely benign for Hereditary cancer-predisposing syndrome. Last evaluated: 2021-11-12. Review status: criteria provided, single submitter. Criteria: Sema4 Curation Guidelines. Collection method: curation. Allele origin: germline.

Color Diagnostics, LLC DBA Color Health
Classification: Likely benign for Hereditary cancer-predisposing syndrome. Last evaluated: 2017-10-23. Review status: criteria provided, single submitter. Criteria: ACMG Guidelines, 2015. Collection method: clinical testing. Allele origin: germline.

GeneDx
Classification: Likely benign. Last evaluated: 2016-08-15. Review status: criteria provided, single submitter. Criteria: GeneDx Variant Classification (06012015). Collection method: clinical testing. Allele origin: germline. Affected: yes.
Comment: This variant is considered likely benign or benign based on one or more of the following criteria: it is a conservative change, it occurs at a poorly conserved position in the protein, it is predicted to be benign by multiple in silico algorithms, and/or has population frequency not consistent with disease.

Ambry Genetics
Classification: Likely benign for Hereditary cancer-predisposing syndrome. Last evaluated: 2015-06-23. Review status: criteria provided, single submitter. Criteria: Ambry Variant Classification Scheme 2023. Collection method: clinical testing. Allele origin: germline.